The following is an entry in ClinVar:

NM_001165963.4(SCN1A):c.3952_3975del (p.Leu1318_Arg1325del)

Genes: SCN1A (sodium voltage-gated channel alpha subunit 1; minus strand), LOC102724058 (uncharacterized LOC102724058; plus strand). Cytogenetic location: 2q24.3.
Variant type: Deletion.
Coding change: c.3952_3975del on transcript NM_001165963.4 (MANE Select); coding-DNA positions 3952 to 3975, 24 bases deleted (CTAAGAGCTCTGAGACCTCTAAGA).
Protein change: p.Leu1318_Arg1325del.
Molecular consequence: inframe deletion. On other transcripts: non-coding transcript variant (1).
Genome position (GRCh38, 1-based): chr2:166,009,746-166,009,769, TCTTAGAGGTCTCAGAGCTCTTAG deleted on the plus strand (CTAAGAGCTCTGAGACCTCTAAGA on the coding strand, the reverse complement: SCN1A is on the minus strand); deleting any 24 consecutive bases within chr2:166,009,746-166,009,770 gives the same sequence; the c. name uses the placement nearest the transcript's 3' end. VCF-style (leftmost placement, unchanged base first): chr2-166009745-CTCTTAGAGGTCTCAGAGCTCTTAG-C. GRCh37 (hg19) VCF-style: chr2-166866255-CTCTTAGAGGTCTCAGAGCTCTTAG-C.
Other names: c.3868_3891del, p.Leu1290_Arg1297del (NM_001165964.3, NM_001353957.2, NM_001353958.2); c.3952_3975del, p.Leu1318_Arg1325del (NM_001202435.3, NM_001353948.2); c.3919_3942del, p.Leu1307_Arg1314del (NM_001353949.2, NM_001353950.2, NM_001353951.2 and 2 more transcripts); c.3916_3939del, p.Leu1306_Arg1313del (NM_001353954.2, NM_001353955.2); c.3865_3888del, p.Leu1289_Arg1296del (NM_001353960.2); c.1510_1533del, p.Leu504_Arg511del (NM_001353961.2).
Identifiers: ClinVar variation 503812 (VCV000503812.5), dbSNP rs1553529461, ClinGen allele CA658795911.
Genomic context (GRCh38, chr2:166,009,745, plus strand): 5'-TATACAATACTTCAGGTTCTTTCATTTTTCTTACCCTCATCCCTTCAAATCGAGATAAGG[CTCTTAGAGGTCTCAGAGCTCTTAG>C]TGTCCTGAGAGATTTGATGGCTCCAAGTTCTGAGTAACCCAAGGCATTTGCTGTTAAACT-3'

ClinVar aggregate classification (germline): Pathogenic. Review status: criteria provided, multiple submitters, no conflicts (2 of 4 stars). 2 submissions from 2 submitters: Pathogenic (2). Last evaluated 2023-10-31.

Conditions:
Early-infantile DEE. Also called: Early infantile epileptic encephalopathy; Ohtahara syndrome; Early infantile epileptic encephalopathy with suppression bursts. Identifiers: Orphanet 1934, MedGen C0393706, MONDO:0800491.

Submissions (2):

Labcorp Genetics (formerly Invitae), Labcorp
Classification: Pathogenic for Early-infantile DEE. Last evaluated: 2023-10-31. Review status: criteria provided, single submitter. Criteria: Invitae Variant Classification Sherloc (09022015). Collection method: clinical testing. Allele origin: germline.
Comment: This variant, c.3952_3975del, results in the deletion of 8 amino acid(s) of the SCN1A protein (p.Leu1318_Arg1325del), but otherwise preserves the integrity of the reading frame. This variant is not present in population databases (gnomAD no frequency). This variant has not been reported in the literature in individuals affected with SCN1A-related conditions. ClinVar contains an entry for this variant (Variation ID: 503812). This variant disrupts a region of the SCN1A protein in which other variant(s) (p.Pro1323His) have been determined to be pathogenic (PMID: 24472396; Invitae). This suggests that this is a clinically significant region of the protein, and that variants that disrupt it are likely to be disease-causing. For these reasons, this variant has been classified as Pathogenic.

GeneDx
Classification: Pathogenic. Last evaluated: 2018-02-14. Review status: criteria provided, single submitter. Criteria: GeneDx Variant Classification (06012015). Collection method: clinical testing. Allele origin: germline. Affected: yes.
Comment: A pathogenic variant has been identified in the SCN1A gene. The c.3952_3975del24 variant has not been published as a pathogenic variant, nor has it been reported as a benign variant to our knowledge. The c.3952_3975del24 variant is not observed in large population cohorts (Lek et al., 2016). The c.3952_3975del24 variant results in an in-frame deletion of 8 amino acid residues, denoted p.Leu1318_Arg1325del. This deletion is predicted to be within the transmembrane segment S4 (voltage sensor) of the third homologous domain. In-silico analyses, including protein predictors and evolutionary conservation, support a deleterious effect.

Literature cited by the submitters: PubMed 24472396 (cited by Labcorp Genetics (formerly Invitae), Labcorp).